The following is an entry in ClinVar:

NM_005236.3(ERCC4):c.2108G>T (p.Gly703Val)

Gene: ERCC4 (ERCC excision repair 4, endonuclease catalytic subunit; plus strand). Cytogenetic location: 16p13.12.
Variant type: single nucleotide variant.
Coding change: c.2108G>T on transcript NM_005236.3 (MANE Select); coding-DNA position 2108, G replaced by T.
Protein change: p.Gly703Val; replaces glycine 703 with valine.
Molecular consequence: missense variant.
Genome position (GRCh38, 1-based): chr16:13,947,704, G>T. VCF-style: chr16-13947704-G-T. GRCh37 (hg19) VCF-style: chr16-14041561-G-T.
Other names: short protein forms G703V.
Identifiers: ClinVar variation 1469400 (VCV001469400.9), dbSNP rs774900622, ClinGen allele CA7910680.

ClinVar aggregate classification (germline): Uncertain significance. Review status: criteria provided, multiple submitters, no conflicts (2 of 4 stars). 2 submissions from 2 submitters: Uncertain significance (2). Last evaluated 2026-02-11.

Conditions:
Xeroderma pigmentosum, group F (XPF). Also called: ERCC4-Related Xeroderma Pigmentosum; XERODERMA PIGMENTOSUM VI; XP, GROUP F; XERODERMA PIGMENTOSUM, TYPE F; Xeroderma pigmentosum, type 6; XERODERMA PIGMENTOSUM, COMPLEMENTATION GROUP F. Identifiers: MedGen C0268140, MONDO:0010215, OMIM 278760.
Fanconi anemia complementation group Q. Identifiers: Orphanet 84, MedGen C3808988, MONDO:0014108, OMIM 615272.
Cockayne syndrome. Identifiers: Orphanet 191, MedGen C0009207, MONDO:0016006.

Allele frequency attached by ClinVar (database versions not stated): gnomAD exomes below 0.00001; ExAC 0.00001.
gnomAD v4.1: 2 of 1,614,220 alleles (0.00012%); highest among the groups gnomAD compares: Non-Finnish European, 0.000085%; no homozygotes.

Submissions (2):

St. Jude Molecular Pathology, St. Jude Children's Research Hospital
Classification: Uncertain significance for Xeroderma pigmentosum, group F. Last evaluated: 2026-02-11. Review status: criteria provided, single submitter. Criteria: St. Jude Assertion Criteria 2020. Collection method: clinical testing. Allele origin: germline.
Comment: The ERCC4 c.2108G>T p.(Gly703Val) missense change has a maximum subpopulation frequency of 0.003% in gnomAD v2.1.1. The in silico tool REVEL predicts a deleterious effect on protein function, but to our knowledge this prediction has not been confirmed by functional studies. To our knowledge, this variant has not been reported in the literature in individuals with Fanconi anemia or Xeroderma pigmentosum. In summary, the evidence currently available is insufficient to determine the clinical significance of this variant. It has therefore been classified as of uncertain significance.

Labcorp Genetics (formerly Invitae), Labcorp
Classification: Uncertain significance for Fanconi anemia complementation group Q; Xeroderma pigmentosum, group F; Cockayne syndrome. Last evaluated: 2021-02-23. Review status: criteria provided, single submitter. Criteria: Invitae Variant Classification Sherloc (09022015). Collection method: clinical testing. Allele origin: germline.
Comment: In summary, the available evidence is currently insufficient to determine the role of this variant in disease. Therefore, it has been classified as a Variant of Uncertain Significance. This sequence change replaces glycine with valine at codon 703 of the ERCC4 protein (p.Gly703Val). The glycine residue is highly conserved and there is a moderate physicochemical difference between glycine and valine. This variant is present in population databases (rs774900622, ExAC 0.006%). This variant has not been reported in the literature in individuals with ERCC4-related conditions. Algorithms developed to predict the effect of missense changes on protein structure and function (SIFT, PolyPhen-2, Align-GVGD) all suggest that this variant is likely to be disruptive, but these predictions have not been confirmed by published functional studies and their clinical significance is uncertain. Algorithms developed to predict the effect of sequence changes on RNA splicing suggest that this variant may create or strengthen a splice site, but this prediction has not been confirmed by published transcriptional studies.